The following is an entry in ClinVar:

ClinVar aggregate classification (germline): Likely benign. Review status: criteria provided, multiple submitters, no conflicts (2 of 4 stars). 2 submissions from 2 submitters: Likely benign (2). Last evaluated 2024-09-04.

Allele frequency attached by ClinVar (database versions not stated): gnomAD exomes 0.00022 and 0.00023; ExAC 0.00032; gnomAD 0.00266 and 0.00279; TOPMed 0.00286; 1000 Genomes Project 0.00359; 1000 Genomes Project 30x 0.00406.
gnomAD v4.1: 692 of 1,336,230 alleles (0.052%); highest among the groups gnomAD compares: African/African-American, 0.93%; 4 homozygotes.

Submissions (2):

Blueprint Genetics
Classification: Likely benign. Last evaluated: 2024-09-04. Review status: criteria provided, single submitter. Criteria: ACMG Guidelines, 2015. Collection method: clinical testing. Allele origin: germline.

GeneDx
Classification: Likely benign. Last evaluated: 2017-12-01. Review status: criteria provided, single submitter. Criteria: GeneDx Variant Classification (06012015). Collection method: clinical testing. Allele origin: germline. Affected: yes.
Comment: This variant is considered likely benign or benign based on one or more of the following criteria: it is a conservative change, it occurs at a poorly conserved position in the protein, it is predicted to be benign by multiple in silico algorithms, and/or has population frequency not consistent with disease.

NM_016417.3(GLRX5):c.-16C>T

Gene: GLRX5 (glutaredoxin 5; plus strand). Cytogenetic location: 14q32.13.
Variant type: single nucleotide variant.
Coding change: c.-16C>T on transcript NM_016417.3 (MANE Select); 16 bases upstream of the start codon, C replaced by T.
Molecular consequence: 5 prime UTR variant.
Genome position (GRCh38, 1-based): chr14:95,535,074, C>T. VCF-style: chr14-95535074-C-T. GRCh37 (hg19) VCF-style: chr14-96001411-C-T.
Identifiers: ClinVar variation 389476 (VCV000389476.2), dbSNP rs554961847, ClinGen allele CA7333871.